The following is an entry in ClinVar:

ClinVar aggregate classification (germline): Uncertain significance (1 of 4 stars; one submission).

Conditions:
Neutral lipid storage myopathy (NLSDM). Also called: NEUTRAL LIPID STORAGE DISEASE WITHOUT ICHTHYOSIS. Identifiers: Orphanet 98908, MedGen C1853136, MONDO:0012545, OMIM 610717.

Allele frequency attached by ClinVar (database versions not stated): gnomAD 0.00001 and 0.00003; TOPMed 0.00002; ExAC 0.00035.

Submission:

Labcorp Genetics (formerly Invitae), Labcorp
Classification: Uncertain significance for Neutral lipid storage myopathy. Last evaluated: 2019-10-30. Review status: criteria provided, single submitter. Criteria: Invitae Variant Classification Sherloc (09022015). Collection method: clinical testing. Allele origin: germline.
Comment: In summary, the available evidence is currently insufficient to determine the role of this variant in disease. Therefore, it has been classified as a Variant of Uncertain Significance. Algorithms developed to predict the effect of missense changes on protein structure and function (SIFT, PolyPhen-2, Align-GVGD) all suggest that this variant is likely to be tolerated, but these predictions have not been confirmed by published functional studies and their clinical significance is uncertain. This variant has not been reported in the literature in individuals with PNPLA2-related conditions. This variant is present in population databases (rs781603696, ExAC 0.2%). This sequence change replaces arginine with leucine at codon 460 of the PNPLA2 protein (p.Arg460Leu). The arginine residue is moderately conserved and there is a moderate physicochemical difference between arginine and leucine.

NM_020376.4(PNPLA2):c.1379G>T (p.Arg460Leu)

Gene: PNPLA2 (patatin like domain 2, triacylglycerol lipase; plus strand). Cytogenetic location: 11p15.5.
Variant type: single nucleotide variant.
Coding change: c.1379G>T on transcript NM_020376.4 (MANE Select); coding-DNA position 1379, G replaced by T.
Protein change: p.Arg460Leu; replaces arginine 460 with leucine.
Molecular consequence: missense variant.
Genome position (GRCh38, 1-based): chr11:824,726, G>T. VCF-style: chr11-824726-G-T. GRCh37 (hg19) VCF-style: chr11-824726-G-T.
Other names: short protein forms R460L.
Identifiers: ClinVar variation 956445 (VCV000956445.7), dbSNP rs781603696, ClinGen allele CA5791392.